The following is an entry in ClinVar:

ClinVar aggregate classification (germline): Uncertain significance (1 of 4 stars; one submission).

Conditions:
Long chain 3-hydroxyacyl-CoA dehydrogenase deficiency. Also called: LCHAD Deficiency; Deficiency of long-chain 3-hydroxyacyl-coenzyme A dehydrogenase. Identifiers: Orphanet 5, MedGen C3711645, MONDO:0012173, OMIM 609016.
Mitochondrial trifunctional protein deficiency. Identifiers: Orphanet 746, MedGen C1969443, MONDO:0012172.

gnomAD v4.1: 5 of 1,613,970 alleles (0.00031%); highest among the groups gnomAD compares: Non-Finnish European, 0.00042%; no homozygotes.

Submission:

Labcorp Genetics (formerly Invitae), Labcorp
Classification: Uncertain significance for Mitochondrial trifunctional protein deficiency; Long chain 3-hydroxyacyl-CoA dehydrogenase deficiency. Last evaluated: 2025-07-01. Review status: criteria provided, single submitter. Criteria: Invitae Variant Classification Sherloc (09022015). Collection method: clinical testing. Allele origin: germline.
Comment: This sequence change replaces glycine, which is neutral and non-polar, with aspartic acid, which is acidic and polar, at codon 583 of the HADHA protein (p.Gly583Asp). This variant is present in population databases (rs764942632, gnomAD 0.003%). This variant has not been reported in the literature in individuals affected with HADHA-related conditions. ClinVar contains an entry for this variant (Variation ID: 3761105). Invitae Evidence Modeling of protein sequence and biophysical properties (such as structural, functional, and spatial information, amino acid conservation, physicochemical variation, residue mobility, and thermodynamic stability) indicates that this missense variant is expected to disrupt HADHA protein function with a positive predictive value of 80%. In summary, the available evidence is currently insufficient to determine the role of this variant in disease. Therefore, it has been classified as a Variant of Uncertain Significance.

NM_000182.5(HADHA):c.1748G>A (p.Gly583Asp)

Genes: HADHA (hydroxyacyl-CoA dehydrogenase trifunctional multienzyme complex subunit alpha; minus strand), GAREM2 (GRB2 associated regulator of MAPK1 subtype 2; plus strand). Cytogenetic location: 2p23.3.
Variant type: single nucleotide variant.
Coding change: c.1748G>A on transcript NM_000182.5 (MANE Select); coding-DNA position 1748, G replaced by A.
Protein change: p.Gly583Asp; replaces glycine 583 with aspartic acid.
Molecular consequence: missense variant.
Genome position (GRCh38, 1-based): chr2:26,193,714, C>T on the plus strand (G>A on the coding strand, the complement: HADHA is on the minus strand). VCF-style: chr2-26193714-C-T. GRCh37 (hg19) VCF-style: chr2-26416583-C-T.
Other names: short protein forms G583D.
Identifiers: ClinVar variation 3761105 (VCV003761105.2).